The following is an entry in ClinVar:

NM_001127392.3(MYRF):c.3001G>T (p.Ala1001Ser)

Gene: MYRF (myelin regulatory factor; plus strand). Cytogenetic location: 11q12.2.
Variant type: single nucleotide variant.
Coding change: c.3001G>T on transcript NM_001127392.3 (MANE Select); coding-DNA position 3001, G replaced by T.
Protein change: p.Ala1001Ser; replaces alanine 1001 with serine.
Molecular consequence: missense variant.
Genome position (GRCh38, 1-based): chr11:61,781,809, G>T. VCF-style: chr11-61781809-G-T. GRCh37 (hg19) VCF-style: chr11-61549281-G-T.
Other names: c.3001G>T (NM_001127392.2); c.2896G>T, p.Ala966Ser (NM_013279.4); short protein forms A1001S, A966S.
Identifiers: ClinVar variation 2486986 (VCV002486986.4), dbSNP rs774077902, ClinGen allele CA6038291.

ClinVar aggregate classification (germline): Uncertain significance. Review status: criteria provided, multiple submitters, no conflicts (2 of 4 stars). 3 submissions from 3 submitters: Uncertain significance (3). Last evaluated 2023-02-22.

Conditions:
Inborn genetic diseases. Identifiers: MedGen C0950123, MeSH D030342.
MYRF-related disorder. Also called: MYRF-related disorders; MYRF-related condition.
Encephalitis/encephalopathy, mild, with reversible myelin vacuolization. Also called: ENCEPHALITIS/ENCEPHALOPATHY, MILD, WITH REVERSIBLE SPLENIAL LESION. Identifiers: MedGen C4722446, MONDO:0020853, OMIM 618113.
Cardiac-urogenital syndrome (CUGS). Also called: MYRF-Related Cardiac Urogenital Syndrome. Identifiers: Orphanet 647811, MedGen C4748946, MONDO:0032653, OMIM 618280.

Allele frequency attached by ClinVar (database versions not stated): ExAC 0.00001.
gnomAD v4.1: 29 of 1,568,982 alleles (0.0018%); highest among the groups gnomAD compares: Non-Finnish European, 0.0025%; no homozygotes.

Submissions (3):

Ambry Genetics
Classification: Uncertain significance for Inborn genetic diseases. Last evaluated: 2023-02-22. Review status: criteria provided, single submitter. Criteria: Ambry Variant Classification Scheme 2023. Collection method: clinical testing. Allele origin: germline.

PreventionGenetics, part of Exact Sciences
Classification: Uncertain significance for MYRF-related condition. Last evaluated: 2022-08-24. Review status: criteria provided, single submitter. Criteria: ACMG Guidelines, 2015. Collection method: clinical testing. Allele origin: germline.
Comment: The MYRF c.3001G>T variant is predicted to result in the amino acid substitution p.Ala1001Ser. To our knowledge, this variant has not been reported in the literature or in a large population database, indicating this variant is rare. At this time, the clinical significance of this variant is uncertain due to the absence of conclusive functional and genetic evidence.

Department of Pathology and Laboratory Medicine, Sinai Health System
Classification: Uncertain significance for Encephalitis/encephalopathy, mild, with reversible myelin vacuolization; Cardiac-urogenital syndrome. Last evaluated: 2022-06-23. Review status: criteria provided, single submitter. Criteria: ACMG Guidelines, 2015. Collection method: research. Allele origin: germline.